The following is an entry in ClinVar:

ClinVar aggregate classification (germline): Uncertain significance (1 of 4 stars; one submission).

Allele frequency attached by ClinVar (database versions not stated): gnomAD exomes 0.00001.
gnomAD v4.1: 4 of 1,549,640 alleles (0.00026%); highest among the groups gnomAD compares: Non-Finnish European, 0.00035%; no homozygotes.

Submission:

Labcorp Genetics (formerly Invitae), Labcorp
Classification: Uncertain significance. Last evaluated: 2021-10-14. Review status: criteria provided, single submitter. Criteria: Invitae Variant Classification Sherloc (09022015). Collection method: clinical testing. Allele origin: germline.
Comment: This sequence change replaces histidine with tyrosine at codon 2335 of the EYS protein (p.His2335Tyr). The histidine residue is moderately conserved and there is a moderate physicochemical difference between histidine and tyrosine. This variant is not present in population databases (ExAC no frequency). This variant has not been reported in the literature in individuals affected with EYS-related conditions. Algorithms developed to predict the effect of missense changes on protein structure and function output the following: SIFT: "Tolerated"; PolyPhen-2: "Possibly Damaging"; Align-GVGD: "Class C0". The tyrosine amino acid residue is found in multiple mammalian species, which suggests that this missense change does not adversely affect protein function. In summary, the available evidence is currently insufficient to determine the role of this variant in disease. Therefore, it has been classified as a Variant of Uncertain Significance.

NM_001142800.2(EYS):c.7003C>T (p.His2335Tyr)

Gene: EYS (eyes shut homolog; minus strand). Cytogenetic location: 6q12.
Variant type: single nucleotide variant.
Coding change: c.7003C>T on transcript NM_001142800.2 (MANE Select); coding-DNA position 7003, C replaced by T.
Protein change: p.His2335Tyr; replaces histidine 2335 with tyrosine.
Molecular consequence: missense variant.
Genome position (GRCh38, 1-based): chr6:63,984,435, G>A on the plus strand (C>T on the coding strand, the complement: EYS is on the minus strand). VCF-style: chr6-63984435-G-A. GRCh37 (hg19) VCF-style: chr6-64694328-G-A.
Other names: c.7003C>T, p.His2335Tyr (NM_001292009.2); short protein forms H2335Y.
Identifiers: ClinVar variation 1404129 (VCV001404129.5), dbSNP rs1343612158, ClinGen allele CA364388201.
Genomic context (GRCh38, chr6:63,984,435, plus strand): 5'-ATACTGACCTGATGCAGGTGCCATTGTTGCGGCACAGATGATGAGCACACCAAGGGACGT[G>A]GCAGTTCTCAATATTCTTTCCATGTCGTGCTTCATCGATGATGAAGAATTCTTTGTTGTT-3'
Protein context (NP_001136272.1, residues 2325-2345): ARHGKNIENC[His2335Tyr]VPWCAHHLCR